The following is an entry in ClinVar:

NM_000152.5(GAA):c.1507del (p.Val503fs)

Gene: GAA (alpha glucosidase; plus strand). Cytogenetic location: 17q25.3.
Variant type: Deletion.
Coding change: c.1507del on transcript NM_000152.5 (MANE Select); coding-DNA position 1507, one base deleted (G; older notation c.1507delG).
Protein change: p.Val503fs; shifts the reading frame from valine 503.
Molecular consequence: frameshift variant.
Genome position (GRCh38, 1-based): chr17:80,110,796, G deleted; the last of 2 consecutive G bases (chr17:80,110,795-80,110,796); deleting either gives the same sequence. VCF-style (leftmost placement, unchanged base first): chr17-80110794-TG-T. GRCh37 (hg19) VCF-style: chr17-78084593-TG-T.
Other names: c.1507del, p.Val503fs (NM_001079803.3, NM_001079804.3, NM_001406741.1 and 1 more transcripts); short protein forms V503fs.
Identifiers: ClinVar variation 4876293 (VCV004876293.1).

ClinVar aggregate classification (germline): Pathogenic (1 of 4 stars; one submission).

Conditions:
Glycogen storage disease, type II (IOPD). Also called: Pompe Disease; CARDIOMEGALIA GLYCOGENICA DIFFUSA; GLYCOGENOSIS, GENERALIZED, CARDIAC FORM; GSD II; POMPE DISEASE, INFANTILE-ONSET; GLYCOGEN STORAGE DISEASE II, INFANTILE-ONSET. Identifiers: Orphanet 365, MedGen C0017921, MONDO:0009290, OMIM 232300.

Submission:

Genomenon, Inc
Classification: Pathogenic for Glycogen storage disease, type II. Last evaluated: 2026-07-01. Review status: criteria provided, single submitter. Criteria: Genomenon Sequence Variant Interpretation Standards - Updated. Collection method: curation. Allele origin: germline. Affected: yes.
Comment: GAA p.Val503TrpfsTer17 (c.1507del) is a frameshift variant that is predicted to introduce a premature termination codon and result in a truncated or absent protein product. This variant has been observed in at least one proband with a GAA-related disorder (PMID:38043017). It is absent or not present at a significant frequency in gnomAD. In conclusion, we classify GAA p.Val503TrpfsTer17 (c.1507del) as a pathogenic variant.

Literature cited by the submitters: PubMed 38043017.